The following is an entry in ClinVar:

NM_147127.5(EVC2):c.3604G>A (p.Asp1202Asn)

Gene: EVC2 (EvC ciliary complex subunit 2; minus strand). Cytogenetic location: 4p16.2.
Variant type: single nucleotide variant.
Coding change: c.3604G>A on transcript NM_147127.5 (MANE Select); coding-DNA position 3604, G replaced by A.
Protein change: p.Asp1202Asn; replaces aspartic acid 1202 with asparagine.
Molecular consequence: missense variant.
Genome position (GRCh38, 1-based): chr4:5,565,313, C>T on the plus strand (G>A on the coding strand, the complement: EVC2 is on the minus strand). VCF-style: chr4-5565313-C-T. GRCh37 (hg19) VCF-style: chr4-5567040-C-T.
Other names: c.3364G>A, p.Asp1122Asn (NM_001166136.2); short protein forms D1122N, D1202N.
Identifiers: ClinVar variation 1424802 (VCV001424802.6), dbSNP rs752599166, ClinGen allele CA356148093.

ClinVar aggregate classification (germline): Uncertain significance (1 of 4 stars; one submission).

Conditions:
Ellis-van Creveld syndrome (EVC). Also called: Chondroectodermal dysplasia; EVC-Related Ellis-van Creveld Syndrome; EVC2-Related Ellis-van Creveld Syndrome; MESOECTODERMAL DYSPLASIA. Identifiers: Orphanet 289, MedGen C0013903, MONDO:0009162, OMIM 225500.
Curry-Hall syndrome (WAD). Also called: WEYERS ACRODENTAL DYSOSTOSIS. Identifiers: Orphanet 952, MedGen C0457013, MONDO:0008673, OMIM 193530.

Allele frequency attached by ClinVar (database versions not stated): gnomAD 0.00001; TOPMed 0.00002.
gnomAD v4.1: 21 of 1,613,996 alleles (0.0013%); highest among the groups gnomAD compares: Non-Finnish European, 0.0016%; no homozygotes.

Submission:

Labcorp Genetics (formerly Invitae), Labcorp
Classification: Uncertain significance for Curry-Hall syndrome; Ellis-van Creveld syndrome. Last evaluated: 2021-09-17. Review status: criteria provided, single submitter. Criteria: Invitae Variant Classification Sherloc (09022015). Collection method: clinical testing. Allele origin: germline.
Comment: This sequence change replaces aspartic acid with asparagine at codon 1202 of the EVC2 protein (p.Asp1202Asn). The aspartic acid residue is moderately conserved and there is a small physicochemical difference between aspartic acid and asparagine. This variant is not present in population databases (ExAC no frequency). This variant has not been reported in the literature in individuals affected with EVC2-related conditions. Algorithms developed to predict the effect of missense changes on protein structure and function output the following: SIFT: "Tolerated"; PolyPhen-2: "Benign"; Align-GVGD: "Class C0". The asparagine amino acid residue is found in multiple mammalian species, which suggests that this missense change does not adversely affect protein function. In summary, the available evidence is currently insufficient to determine the role of this variant in disease. Therefore, it has been classified as a Variant of Uncertain Significance.